The following is an entry in ClinVar:

NM_172364.5(CACNA2D4):c.949A>C (p.Ile317Leu)

Gene: CACNA2D4 (calcium voltage-gated channel auxiliary subunit alpha2delta 4; minus strand). Cytogenetic location: 12p13.33.
Variant type: single nucleotide variant.
Coding change: c.949A>C on transcript NM_172364.5 (MANE Select); coding-DNA position 949, A replaced by C.
Protein change: p.Ile317Leu; replaces isoleucine 317 with leucine.
Molecular consequence: missense variant.
Genome position (GRCh38, 1-based): chr12:1,886,267, T>G on the plus strand (A>C on the coding strand, the complement: CACNA2D4 is on the minus strand). VCF-style: chr12-1886267-T-G. GRCh37 (hg19) VCF-style: chr12-1995433-T-G.
Other names: short protein forms I317L.
Identifiers: ClinVar variation 2783584 (VCV002783584.3), dbSNP rs1042624190, ClinGen allele CA231558692.

ClinVar aggregate classification (germline): Uncertain significance (1 of 4 stars; one submission).

Allele frequency attached by ClinVar (database versions not stated): gnomAD 0.00001; TOPMed 0.00001.

Submission:

Labcorp Genetics (formerly Invitae), Labcorp
Classification: Uncertain significance. Last evaluated: 2022-12-30. Review status: criteria provided, single submitter. Criteria: Invitae Variant Classification Sherloc (09022015). Collection method: clinical testing. Allele origin: germline.
Comment: In summary, the available evidence is currently insufficient to determine the role of this variant in disease. Therefore, it has been classified as a Variant of Uncertain Significance. Algorithms developed to predict the effect of missense changes on protein structure and function (SIFT, PolyPhen-2, Align-GVGD) all suggest that this variant is likely to be tolerated. This variant has not been reported in the literature in individuals affected with CACNA2D4-related conditions. This variant is not present in population databases (gnomAD no frequency). This sequence change replaces isoleucine, which is neutral and non-polar, with leucine, which is neutral and non-polar, at codon 317 of the CACNA2D4 protein (p.Ile317Leu).